The following is an entry in ClinVar:

NM_024757.5(EHMT1):c.367A>G (p.Asn123Asp)

Gene: EHMT1 (euchromatic histone lysine methyltransferase 1; plus strand). Cytogenetic location: 9q34.3.
Variant type: single nucleotide variant.
Coding change: c.367A>G on transcript NM_024757.5 (MANE Select); coding-DNA position 367, A replaced by G.
Protein change: p.Asn123Asp; replaces asparagine 123 with aspartic acid.
Molecular consequence: missense variant.
Genome position (GRCh38, 1-based): chr9:137,716,907, A>G. VCF-style: chr9-137716907-A-G. GRCh37 (hg19) VCF-style: chr9-140611359-A-G.
Other names: c.367A>G, p.Asn123Asp (NM_001145527.2, NM_001354263.2, NM_001354611.2); c.274A>G, p.Asn92Asp (NM_001354259.2, NM_001354612.2); short protein forms N92D, N123D.
Identifiers: ClinVar variation 2097103 (VCV002097103.4), dbSNP rs1222082940, ClinGen allele CA375764626.

ClinVar aggregate classification (germline): Uncertain significance (1 of 4 stars; one submission).

Conditions:
Kleefstra syndrome 1 (KLEFS1). Identifiers: Orphanet 261494, MedGen C0795833, MONDO:0027407, OMIM 610253.

Allele frequency attached by ClinVar (database versions not stated): gnomAD 0.00001.
gnomAD v4.1: 1 of 1,612,946 alleles (0.000062%); highest among the groups gnomAD compares: Non-Finnish European, 0.000085%; no homozygotes.

Submission:

Labcorp Genetics (formerly Invitae), Labcorp
Classification: Uncertain significance for Kleefstra syndrome 1. Last evaluated: 2022-02-12. Review status: criteria provided, single submitter. Criteria: Invitae Variant Classification Sherloc (09022015). Collection method: clinical testing. Allele origin: germline.
Comment: This variant has not been reported in the literature in individuals affected with EHMT1-related conditions. This variant is present in population databases (no rsID available, gnomAD 0.007%). This sequence change replaces asparagine, which is neutral and polar, with aspartic acid, which is acidic and polar, at codon 123 of the EHMT1 protein (p.Asn123Asp). Algorithms developed to predict the effect of missense changes on protein structure and function are either unavailable or do not agree on the potential impact of this missense change (SIFT: "Deleterious"; PolyPhen-2: "Probably Damaging"; Align-GVGD: "Class C0"). In summary, the available evidence is currently insufficient to determine the role of this variant in disease. Therefore, it has been classified as a Variant of Uncertain Significance.